The following is an entry in ClinVar:

NM_006392.4(NOP56):c.60G>A (p.Lys20=)

Gene: NOP56 (NOP56 ribonucleoprotein; plus strand). Cytogenetic location: 20p13.
Variant type: single nucleotide variant.
Coding change: c.60G>A on transcript NM_006392.4 (MANE Select); coding-DNA position 60, G replaced by A.
Protein change: p.Lys20=; no amino-acid change (lysine 20 retained).
Molecular consequence: synonymous variant. On other transcripts: non-coding transcript variant (2).
Genome position (GRCh38, 1-based): chr20:2,652,898, G>A. VCF-style: chr20-2652898-G-A. GRCh37 (hg19) VCF-style: chr20-2633544-G-A.
Identifiers: ClinVar variation 4533856 (VCV004533856.6).

ClinVar aggregate classification (germline): Likely benign (1 of 4 stars; one submission).

gnomAD v4.1: 663 of 1,609,862 alleles (0.041%); highest among the groups gnomAD compares: African/African-American, 0.7%; 7 homozygotes.

Submission:

CeGaT Center for Human Genetics Tuebingen
Classification: Likely benign. Last evaluated: 2025-11-01. Review status: criteria provided, single submitter. Criteria: CeGaT Center For Human Genetics Tuebingen Variant Classification Criteria Version 2. Collection method: clinical testing. Allele origin: germline. Affected: yes. Observed: 1 variant allele.
Comment: NOP56: BP4, BP7